The following is an entry in ClinVar:

ClinVar aggregate classification (germline): Uncertain significance. Review status: criteria provided, multiple submitters, no conflicts (2 of 4 stars). 2 submissions from 2 submitters: Uncertain significance (2). Last evaluated 2022-09-01.

Conditions:
Majeed syndrome (MJDS). Also called: CHRONIC RECURRENT MULTIFOCAL OSTEOMYELITIS 1, WITH CONGENITAL DYSERYTHROPOIETIC ANEMIA, WITH OR WITHOUT NEUTROPHILIC DERMATOSIS; LPIN2-Related Majeed Syndrome. Identifiers: Orphanet 77297, MedGen C1864997, MONDO:0012316, OMIM 609628.

Allele frequency attached by ClinVar (database versions not stated): gnomAD 0.00002 and 0.00003; gnomAD exomes 0.00007 and 0.00009; TOPMed 0.00007; ExAC 0.00011.
gnomAD v4.1: 111 of 1,613,774 alleles (0.0069%); highest among the groups gnomAD compares: South Asian, 0.044%; no homozygotes.

Submissions (2):

Labcorp Genetics (formerly Invitae), Labcorp
Classification: Uncertain significance for Majeed syndrome. Last evaluated: 2022-09-01. Review status: criteria provided, single submitter. Criteria: Invitae Variant Classification Sherloc (09022015). Collection method: clinical testing. Allele origin: germline.
Comment: This sequence change replaces proline, which is neutral and non-polar, with leucine, which is neutral and non-polar, at codon 385 of the LPIN2 protein (p.Pro385Leu). This variant is present in population databases (rs754221410, gnomAD 0.05%). This variant has not been reported in the literature in individuals affected with LPIN2-related conditions. ClinVar contains an entry for this variant (Variation ID: 449743). Algorithms developed to predict the effect of missense changes on protein structure and function are either unavailable or do not agree on the potential impact of this missense change (SIFT: "Tolerated"; PolyPhen-2: "Possibly Damaging"; Align-GVGD: "Class C0"). In summary, the available evidence is currently insufficient to determine the role of this variant in disease. Therefore, it has been classified as a Variant of Uncertain Significance.

GeneDx
Classification: Uncertain significance. Last evaluated: 2017-08-28. Review status: criteria provided, single submitter. Criteria: GeneDx Variant Classification (06012015). Collection method: clinical testing. Allele origin: germline. Affected: yes.
Comment: The P385L variant has not been published as a pathogenic variant, nor has it been reported as a benign variant to our knowledge. The variant is observed in 10/16506 (0.06%) alleles from individuals of South Asian background in the ExAC dataset (Lek et al., 2016). P385L is a semi-conservative amino acid substitution, which may impact secondary protein structure as these residues differ in some properties. This substitution occurs at a position that is conserved across species, and in silico analysis predicts this variant is probably damaging to the protein structure/function. In summary, based on the currently available information, it is unclear whether this variant is a pathogenic variant or a rare benign variant.

NM_001375808.2(LPIN2):c.1154C>T (p.Pro385Leu)

Gene: LPIN2 (lipin 2; minus strand). Cytogenetic location: 18p11.31.
Variant type: single nucleotide variant.
Coding change: c.1154C>T on transcript NM_001375808.2 (MANE Select); coding-DNA position 1154, C replaced by T.
Protein change: p.Pro385Leu; replaces proline 385 with leucine.
Molecular consequence: missense variant.
Genome position (GRCh38, 1-based): chr18:2,937,706, G>A on the plus strand (C>T on the coding strand, the complement: LPIN2 is on the minus strand). VCF-style: chr18-2937706-G-A. GRCh37 (hg19) VCF-style: chr18-2937704-G-A.
Other names: c.1154C>T, p.Pro385Leu (NM_001375809.1, NM_014646.2); short protein forms P385L.
Identifiers: ClinVar variation 449743 (VCV000449743.8), dbSNP rs754221410, ClinGen allele CA8873198.